The following is an entry in ClinVar:

NM_005228.5(EGFR):c.1881-852C>A

Gene: EGFR (epidermal growth factor receptor; plus strand). Cytogenetic location: 7p11.2.
Variant type: single nucleotide variant.
Coding change: c.1881-852C>A on transcript NM_005228.5 (MANE Select); 852 bases into the intron before coding-DNA position 1881, C replaced by A.
Molecular consequence: intron variant. On other transcripts: missense variant (1).
Genome position (GRCh38, 1-based): chr7:55,170,323, C>A. VCF-style: chr7-55170323-C-A. GRCh37 (hg19) VCF-style: chr7-55238016-C-A.
Other names: c.1897C>A, p.Leu633Ile (NM_201284.2); c.1746-852C>A (NM_001346899.2, NM_001346897.2); c.1080-852C>A (NM_001346941.2); c.1881-852C>A (NM_001346898.2); c.1722-852C>A (NM_001346900.2); short protein forms L633I.
Identifiers: ClinVar variation 5035770 (VCV005035770.1).

ClinVar aggregate classification (germline): Uncertain significance (1 of 4 stars; one submission).

Conditions:
Hereditary cancer-predisposing syndrome. Also called: Hereditary Cancer Syndrome; Neoplastic Syndromes, Hereditary; Tumor predisposition; Hereditary neoplastic syndrome. Identifiers: Orphanet 140162, MedGen C0027672, MeSH D009386, MONDO:0015356.

gnomAD v4.1: 1 of 1,614,186 alleles (0.000062%); highest among the groups gnomAD compares: African/African-American, 0.0013%; no homozygotes.

Submission:

Ambry Genetics
Classification: Uncertain significance for Hereditary cancer-predisposing syndrome. Last evaluated: 2026-07-07. Review status: criteria provided, single submitter. Criteria: Ambry Variant Classification Scheme 2023. Collection method: clinical testing. Allele origin: germline.
Comment: The p.L633I variant (also known as c.1897C>A), located in coding exon 16 of the EGFR gene, results from a C to A substitution at nucleotide position 1897. The leucine at codon 633 is replaced by isoleucine, an amino acid with highly similar properties. This amino acid position is conserved. In addition, this alteration is predicted to be tolerated by in silico analysis. Based on the available evidence, the clinical significance of this variant remains unclear.